The following is an entry in ClinVar:

NM_000719.7(CACNA1C):c.3946-28T>C

Gene: CACNA1C (calcium voltage-gated channel subunit alpha1 C; plus strand). Cytogenetic location: 12p13.33.
Variant type: single nucleotide variant.
Coding change: c.3946-28T>C on transcript NM_000719.7 (MANE Select); 28 bases into the intron before coding-DNA position 3946, T replaced by C.
Molecular consequence: intron variant. On other transcripts: synonymous variant (1).
Genome position (GRCh38, 1-based): chr12:2,651,612, T>C. VCF-style: chr12-2651612-T-C. GRCh37 (hg19) VCF-style: chr12-2760778-T-C.
Other names: c.3984T>C, p.Thr1328= (NM_001129829.2); c.3946-28T>C (NM_001167624.3, NM_001167623.2, NM_001129840.2 and 7 more transcripts); c.3913-28T>C (NM_001167625.2, NM_001129837.2, NM_001129838.2 and 1 more transcripts); c.4090-28T>C (NM_199460.4, NM_001129827.2); c.4006-28T>C (NM_001129832.2); c.4030-28T>C (NM_001129831.2); c.3907-28T>C (NM_001129839.2); c.3997-28T>C (NM_001129836.2); and 1 more.
Identifiers: ClinVar variation 3049284 (VCV003049284.2), dbSNP rs1045436064, ClinGen allele CA231590402.

ClinVar aggregate classification (germline): Likely benign (0 of 4 stars; one submission).

Conditions:
CACNA1C-related disorder. Also called: CACNA1C-related condition; CACNA1C-related disorders. Identifiers: MedGen CN381092, MONDO:0700321.

Allele frequency attached by ClinVar (database versions not stated): gnomAD 0.00001; gnomAD exomes 0.00001; TOPMed 0.00001.
gnomAD v4.1: 22 of 1,613,766 alleles (0.0014%); highest among the groups gnomAD compares: Non-Finnish European, 0.0019%; no homozygotes.

Submission:

PreventionGenetics, part of Exact Sciences
Classification: Likely benign for CACNA1C-related condition. Last evaluated: 2022-11-14. Review status: no assertion criteria provided. Collection method: clinical testing. Allele origin: germline.
Comment: This variant is classified as likely benign based on ACMG/AMP sequence variant interpretation guidelines (Richards et al. 2015 PMID: 25741868, with internal and published modifications).